The following is an entry in ClinVar:

NM_000057.4(BLM):c.4076+1G>C

Gene: BLM (BLM RecQ like helicase; plus strand). Cytogenetic location: 15q26.1.
Variant type: single nucleotide variant.
Coding change: c.4076+1G>C on transcript NM_000057.4 (MANE Select); the canonical splice donor site of the intron after coding-DNA position 4076, G replaced by C.
Molecular consequence: splice donor variant.
Genome position (GRCh38, 1-based): chr15:90,811,407, G>C. VCF-style: chr15-90811407-G-C. GRCh37 (hg19) VCF-style: chr15-91354637-G-C.
Other names: c.4076+1G>C (NM_001287246.2); c.2951+1G>C (NM_001287248.2); c.3683+1G>C (NM_001287247.2).
Identifiers: ClinVar variation 1472341 (VCV001472341.9), dbSNP rs752899566, ClinGen allele CA393851613.

ClinVar aggregate classification (germline): Conflicting classifications of pathogenicity. Review status: criteria provided, conflicting classifications (1 of 4 stars). 2 submissions from 2 submitters: Likely pathogenic (1); Uncertain significance (1). Last evaluated 2026-04-28.

Conditions:
Bloom syndrome (BLM). Also called: Bloom-Torre-Machacek syndrome. Identifiers: Orphanet 125, MedGen C0005859, MONDO:0008876, OMIM 210900.

Submissions (2):

Myriad Genetics, Inc.
Classification: Likely pathogenic for Bloom syndrome. Last evaluated: 2026-04-28. Review status: criteria provided, single submitter. Criteria: Myriad Autosomal Dominant, Autosomal Recessive and X-Linked Classification Criteria (2023). Collection method: clinical testing. Allele origin: unknown.
Comment: NM_000057.3(BLM):c.4076+1G>C is a variant in a canonical splice site classified as likely pathogenic in the context of Bloom syndrome. c.4076+1G>C has not been observed in cases with relevant disease. Relevant functional assessments of this variant are not available in the literature. c.4076+1G>C has not been observed in referenced population frequency databases. In summary, NM_000057.3(BLM):c.4076+1G>C is a variant in a canonical splice site in a gene where loss of function is a known mechanism of disease and is predicted to disrupt protein function. Please note: this variant was assessed in the context of healthy population screening.

Labcorp Genetics (formerly Invitae), Labcorp
Classification: Uncertain significance for Bloom syndrome. Last evaluated: 2024-09-12. Review status: criteria provided, single submitter. Criteria: Invitae Variant Classification Sherloc (09022015). Collection method: clinical testing. Allele origin: germline.
Comment: This sequence change affects a donor splice site in intron 21 of the BLM gene. While this variant is not anticipated to result in nonsense mediated decay, it likely alters RNA splicing and results in a disrupted protein product. This variant is not present in population databases (gnomAD no frequency). This variant has not been reported in the literature in individuals affected with BLM-related conditions. ClinVar contains an entry for this variant (Variation ID: 1472341). Variants that disrupt the consensus splice site are a relatively common cause of aberrant splicing (PMID: 17576681, 9536098). Algorithms developed to predict the effect of sequence changes on RNA splicing suggest that this variant may disrupt the consensus splice site. In summary, the available evidence is currently insufficient to determine the role of this variant in disease. Therefore, it has been classified as a Variant of Uncertain Significance.

Literature cited by the submitters: PubMed 17576681 (cited by Labcorp Genetics (formerly Invitae), Labcorp); PubMed 9536098 (cited by Labcorp Genetics (formerly Invitae), Labcorp).